The following is an entry in ClinVar:

NM_003978.5(PSTPIP1):c.492C>G (p.Asn164Lys)

Gene: PSTPIP1 (proline-serine-threonine phosphatase interacting protein 1; plus strand). Cytogenetic location: 15q24.3.
Variant type: single nucleotide variant.
Coding change: c.492C>G on transcript NM_003978.5 (MANE Select); coding-DNA position 492, C replaced by G.
Protein change: p.Asn164Lys; replaces asparagine 164 with lysine.
Molecular consequence: missense variant. On other transcripts: non-coding transcript variant (1).
Genome position (GRCh38, 1-based): chr15:77,028,628, C>G. VCF-style: chr15-77028628-C-G. GRCh37 (hg19) VCF-style: chr15-77320969-C-G.
Other names: c.492C>G, p.Asn164Lys (NM_001321135.2, NM_001411086.1); c.465C>G, p.Asn155Lys (NM_001321136.2); c.687C>G, p.Asn229Lys (NM_001321137.1); short protein forms N155K, N164K, N229K.
Identifiers: ClinVar variation 2012528 (VCV002012528.4), dbSNP rs1366145117, ClinGen allele CA393519902.

ClinVar aggregate classification (germline): Uncertain significance (1 of 4 stars; one submission).

Conditions:
Pyogenic arthritis-pyoderma gangrenosum-acne syndrome (PAPA). Also called: PAPA SYNDROME; FAMILIAL RECURRENT ARTHRITIS. Identifiers: Orphanet 69126, MedGen C1858361, MONDO:0011462, OMIM 604416.

Submission:

Labcorp Genetics (formerly Invitae), Labcorp
Classification: Uncertain significance for Pyogenic arthritis-pyoderma gangrenosum-acne syndrome. Last evaluated: 2022-10-12. Review status: criteria provided, single submitter. Criteria: Invitae Variant Classification Sherloc (09022015). Collection method: clinical testing. Allele origin: germline.
Comment: Advanced modeling of protein sequence and biophysical properties (such as structural, functional, and spatial information, amino acid conservation, physicochemical variation, residue mobility, and thermodynamic stability) performed at Invitae indicates that this missense variant is not expected to disrupt PSTPIP1 protein function. This sequence change replaces asparagine, which is neutral and polar, with lysine, which is basic and polar, at codon 164 of the PSTPIP1 protein (p.Asn164Lys). This variant is not present in population databases (gnomAD no frequency). This variant has not been reported in the literature in individuals affected with PSTPIP1-related conditions. In summary, the available evidence is currently insufficient to determine the role of this variant in disease. Therefore, it has been classified as a Variant of Uncertain Significance.